The following is an entry in ClinVar:

NM_031372.4(HNRNPDL):c.320C>G (p.Thr107Ser)

Gene: HNRNPDL (heterogeneous nuclear ribonucleoprotein D like; minus strand). Cytogenetic location: 4q21.22.
Variant type: single nucleotide variant.
Coding change: c.320C>G on transcript NM_031372.4 (MANE Select); coding-DNA position 320, C replaced by G.
Protein change: p.Thr107Ser; replaces threonine 107 with serine.
Molecular consequence: missense variant. On other transcripts: non-coding transcript variant (1).
Genome position (GRCh38, 1-based): chr4:82,429,371, G>C on the plus strand (C>G on the coding strand, the complement: HNRNPDL is on the minus strand). VCF-style: chr4-82429371-G-C. GRCh37 (hg19) VCF-style: chr4-83350524-G-C.
Other names: c.320C>G (NM_031372.3); c.320C>G, p.Thr107Ser (NM_001207000.1); short protein forms T107S.
Identifiers: ClinVar variation 1507815 (VCV001507815.7), dbSNP rs529653747, ClinGen allele CA2985053.

ClinVar aggregate classification (germline): Uncertain significance. Review status: criteria provided, multiple submitters, no conflicts (2 of 4 stars). 2 submissions from 2 submitters: Uncertain significance (2). Last evaluated 2023-12-15.

Conditions:
Autosomal dominant limb-girdle muscular dystrophy type 1G (LGMDD3). Also called: Limb-girdle muscular dystrophy, type 1G; MUSCULAR DYSTROPHY, LIMB-GIRDLE, AUTOSOMAL DOMINANT 3. Identifiers: Orphanet 55596, MedGen C1836765, MONDO:0012193, OMIM 609115.

Allele frequency attached by ClinVar (database versions not stated): gnomAD 0.00001; TOPMed 0.00001; ExAC 0.00002; 1000 Genomes Project 0.00020; 1000 Genomes Project 30x 0.00031.

Submissions (2):

Ambry Genetics
Classification: Uncertain significance. Last evaluated: 2023-12-15. Review status: criteria provided, single submitter. Criteria: Ambry Variant Classification Scheme 2023. Collection method: clinical testing. Allele origin: germline.

Labcorp Genetics (formerly Invitae), Labcorp
Classification: Uncertain significance for Autosomal dominant limb-girdle muscular dystrophy type 1G. Last evaluated: 2023-07-16. Review status: criteria provided, single submitter. Criteria: Invitae Variant Classification Sherloc (09022015). Collection method: clinical testing. Allele origin: germline.
Comment: In summary, the available evidence is currently insufficient to determine the role of this variant in disease. Therefore, it has been classified as a Variant of Uncertain Significance. Algorithms developed to predict the effect of missense changes on protein structure and function output the following: SIFT: "Not Available"; PolyPhen-2: "Benign"; Align-GVGD: "Not Available". The serine amino acid residue is found in multiple mammalian species, which suggests that this missense change does not adversely affect protein function. ClinVar contains an entry for this variant (Variation ID: 1507815). This variant has not been reported in the literature in individuals affected with HNRNPDL-related conditions. This variant is present in population databases (rs529653747, gnomAD 0.006%). This sequence change replaces threonine, which is neutral and polar, with serine, which is neutral and polar, at codon 107 of the HNRNPDL protein (p.Thr107Ser).